The following is an entry in ClinVar:

ClinVar aggregate classification (germline): Uncertain significance (1 of 4 stars; one submission).

Submission:

GeneDx
Classification: Uncertain significance. Last evaluated: 2018-05-23. Review status: criteria provided, single submitter. Criteria: GeneDx Variant Classification (06012015). Collection method: clinical testing. Allele origin: germline. Affected: yes.
Comment: The c.542_545delCAGT variant has not been published as a pathogenic variant, nor has it been reported as a benign variant to our knowledge. The c.542_545delCAGT variant is not observed in large population cohorts (Lek et al., 2016). The c.542_545delCAGT variant causes a frameshift starting with codon Serine 181, changes this amino acid to a Leucine residue, and creates a premature Stop codon at position 9 of the new reading frame, denoted p.Ser181LeufsX9. This variant is predicted to cause loss of normal protein function either through protein truncation or nonsense-mediated mRNA decay. Based on the currently available information, it is unclear whether this variant is a pathogenic variant or a rare benign variant.

NM_003221.3(TFAP2B):c.542_545delCAGT

Gene: TFAP2B (transcription factor AP-2 beta; plus strand). Cytogenetic location: 6p12.3.
Variant type: Microsatellite.
Coding change: c.542_545delCAGT on transcript NM_003221.3; coding-DNA positions 542 to 545, 4 bases deleted (CAGT).
Genome position (GRCh38, 1-based): chr6:50,828,620-50,828,623, CAGT deleted; deleting any 4 consecutive bases within chr6:50,828,616-50,828,623 gives the same sequence; the c. name uses the placement nearest the transcript's 3' end. VCF-style (leftmost placement, unchanged base first): chr6-50828615-ACAGT-A. GRCh37 (hg19) VCF-style: chr6-50796328-ACAGT-A.
Identifiers: ClinVar variation 545952 (VCV000545952.4), ClinGen allele CA658823114.
Genomic context (GRCh38, chr6:50,828,615, plus strand): 5'-TGATTTATGTGTGCAATTCTTTAATATCCTGTCAATTTGAATAGTGATGTTTTTATATTC[ACAGT>A]CAGTTGAAGATGCCAATAACAGCGGCATGAATCTATTGGACCAGTCTGTCATTAAAAAAG-3'